The following is an entry in ClinVar:

NM_001184880.2(PCDH19):c.1130A>T (p.Asp377Val)

Gene: PCDH19 (protocadherin 19; minus strand). Cytogenetic location: Xq22.1.
Variant type: single nucleotide variant.
Coding change: c.1130A>T on transcript NM_001184880.2 (MANE Select); coding-DNA position 1130, A replaced by T.
Protein change: p.Asp377Val; replaces aspartic acid 377 with valine.
Molecular consequence: missense variant.
Genome position (GRCh38, 1-based): chrX:100,407,468, T>A on the plus strand (A>T on the coding strand, the complement: PCDH19 is on the minus strand). VCF-style: chrX-100407468-T-A. GRCh37 (hg19) VCF-style: chrX-99662466-T-A.
Other names: c.1130A>T, p.Asp377Val (NM_001105243.2, NM_020766.3); short protein forms D377V.
Identifiers: ClinVar variation 465296 (VCV000465296.9), dbSNP rs1555985306, ClinGen allele CA414004075.

ClinVar aggregate classification (germline): Pathogenic (1 of 4 stars; one submission).

Conditions:
Developmental and epileptic encephalopathy, 9 (DEE9). Also called: Early infantile epileptic encephalopathy 9; EPILEPSY, FEMALE-RESTRICTED, WITH MENTAL RETARDATION; PCDH19-Related X-Linked Female-Limited Epilepsy with Mental Retardation; JUBERG-HELLMAN SYNDROME. Identifiers: Orphanet 101039, Orphanet 2076, MedGen C1848137, MONDO:0010246, OMIM 300088. Disease mechanism: loss of function.

Submission:

Labcorp Genetics (formerly Invitae), Labcorp
Classification: Pathogenic for Developmental and epileptic encephalopathy, 9. Last evaluated: 2020-11-05. Review status: criteria provided, single submitter. Criteria: Invitae Variant Classification Sherloc (09022015). Collection method: clinical testing. Allele origin: germline.
Comment: For these reasons, this variant has been classified as Pathogenic. This variant disrupts the p.Asp377 amino acid residue in PCDH19. Other variant(s) that disrupt this residue have been determined to be pathogenic (PMID: 20713952, 22848613, 22267240). This suggests that this residue is clinically significant, and that variants that disrupt this residue are likely to be disease-causing. Algorithms developed to predict the effect of missense changes on protein structure and function (SIFT, PolyPhen-2, Align-GVGD) all suggest that this variant is likely to be disruptive, but these predictions have not been confirmed by published functional studies and their clinical significance is uncertain. This variant has been observed in individual(s) with clinical features of PCDH19-related condition (Invitae). In at least one individual the variant was observed to be de novo. This variant is not present in population databases (ExAC no frequency). This sequence change replaces aspartic acid with valine at codon 377 of the PCDH19 protein (p.Asp377Val). The aspartic acid residue is highly conserved and there is a large physicochemical difference between aspartic acid and valine.

Literature cited by the submitters: PubMed 20713952; PubMed 22848613; PubMed 22267240.